The following is an entry in ClinVar:

ClinVar aggregate classification (germline): Uncertain significance (1 of 4 stars; one submission).

Conditions:
Microcephaly, normal intelligence and immunodeficiency (NBS). Also called: IMMUNODEFICIENCY, MICROCEPHALY, AND CHROMOSOMAL INSTABILITY; SEEMANOVA SYNDROME II; Nijmegen breakage syndrome; Microcephaly with normal intelligence immunodeficiency and lymphoreticular malignancies; Nonsyndromal microcephaly autosomal recessive with normal intelligence; Seemanova syndrome 2. Identifiers: Orphanet 647, MedGen C0398791, MONDO:0009623, OMIM 251260.

Submission:

Labcorp Genetics (formerly Invitae), Labcorp
Classification: Uncertain significance for Microcephaly, normal intelligence and immunodeficiency. Last evaluated: 2023-10-24. Review status: criteria provided, single submitter. Criteria: Invitae Variant Classification Sherloc (09022015). Collection method: clinical testing. Allele origin: germline.
Comment: This sequence change disrupts the translational stop signal of the NBN mRNA. It is expected to extend the length of the NBN protein by 13 additional amino acid residues. This variant is not present in population databases (gnomAD no frequency). This variant has not been reported in the literature in individuals affected with NBN-related conditions. ClinVar contains an entry for this variant (Variation ID: 629258). Experimental studies and prediction algorithms are not available or were not evaluated, and the functional significance of this variant is currently unknown. In summary, the available evidence is currently insufficient to determine the role of this variant in disease. Therefore, it has been classified as a Variant of Uncertain Significance.

NM_002485.5(NBN):c.2263T>C (p.Ter755Gln)

Gene: NBN (nibrin; minus strand). Cytogenetic location: 8q21.3.
Variant type: single nucleotide variant.
Coding change: c.2263T>C on transcript NM_002485.5 (MANE Select); coding-DNA position 2263, T replaced by C.
Protein change: p.Ter755Gln.
Molecular consequence: stop lost.
Genome position (GRCh38, 1-based): chr8:89,935,584, A>G on the plus strand (T>C on the coding strand, the complement: NBN is on the minus strand). VCF-style: chr8-89935584-A-G. GRCh37 (hg19) VCF-style: chr8-90947812-A-G.
Other names: *755Q; *673Q; c.2017T>C, p.Ter673Gln (NM_001024688.3).
Identifiers: ClinVar variation 2771503 (VCV002771503.3), dbSNP rs1563495055, ClinGen allele CA371674662.
Genomic context (GRCh38, chr8:89,935,584, plus strand): 5'-GGCCTGAAGTAGATGCTTACTAGGAAGTTTTTCCATGGCTTCTTTTTAAAATCCTCAGTT[A>G]TCTTCTCCTTTTTAAATAAGGATTGTATCTGCAAAGAAAGAAATGGGGTTAAATGATATT-3'